The following is an entry in ClinVar:

NM_001261826.3(AP3D1):c.1973C>T (p.Ser658Leu)

Gene: AP3D1 (adaptor related protein complex 3 subunit delta 1; minus strand). Cytogenetic location: 19p13.3.
Variant type: single nucleotide variant.
Coding change: c.1973C>T on transcript NM_001261826.3 (MANE Select); coding-DNA position 1973, C replaced by T.
Protein change: p.Ser658Leu; replaces serine 658 with leucine.
Molecular consequence: missense variant.
Genome position (GRCh38, 1-based): chr19:2,116,633, G>A on the plus strand (C>T on the coding strand, the complement: AP3D1 is on the minus strand). VCF-style: chr19-2116633-G-A. GRCh37 (hg19) VCF-style: chr19-2116632-G-A.
Other names: c.1973C>T, p.Ser658Leu (NM_001374799.1, NM_003938.8); c.1973C>T (NM_003938.5); short protein forms S658L.
Identifiers: ClinVar variation 2178741 (VCV002178741.5), dbSNP rs769889979, ClinGen allele CA9059103.

ClinVar aggregate classification (germline): Uncertain significance. Review status: criteria provided, multiple submitters, no conflicts (2 of 4 stars). 2 submissions from 2 submitters: Uncertain significance (2). Last evaluated 2025-06-24.

Conditions:
Inborn genetic diseases. Identifiers: MedGen C0950123, MeSH D030342.

Allele frequency attached by ClinVar (database versions not stated): ExAC 0.00005; TOPMed 0.00005; gnomAD 0.00007.
gnomAD v4.1: 50 of 1,601,284 alleles (0.0031%); highest among the groups gnomAD compares: African/African-American, 0.012%; no homozygotes.

Submissions (2):

Labcorp Genetics (formerly Invitae), Labcorp
Classification: Uncertain significance. Last evaluated: 2025-06-24. Review status: criteria provided, single submitter. Criteria: Invitae Variant Classification Sherloc (09022015). Collection method: clinical testing. Allele origin: germline.
Comment: This sequence change replaces serine, which is neutral and polar, with leucine, which is neutral and non-polar, at codon 658 of the AP3D1 protein (p.Ser658Leu). This variant is present in population databases (rs769889979, gnomAD 0.01%). This variant has not been reported in the literature in individuals affected with AP3D1-related conditions. ClinVar contains an entry for this variant (Variation ID: 2178741). An algorithm developed to predict the effect of missense changes on protein structure and function (PolyPhen-2) suggests that this variant is likely to be tolerated. In summary, the available evidence is currently insufficient to determine the role of this variant in disease. Therefore, it has been classified as a Variant of Uncertain Significance.

Ambry Genetics
Classification: Uncertain significance for Inborn genetic diseases. Last evaluated: 2024-10-28. Review status: criteria provided, single submitter. Criteria: Ambry Variant Classification Scheme 2023. Collection method: clinical testing. Allele origin: germline.